The following is an entry in ClinVar:

NM_015404.4(WHRN):c.406G>A (p.Gly136Arg)

Gene: WHRN (whirlin; minus strand). Cytogenetic location: 9q32.
Variant type: single nucleotide variant.
Coding change: c.406G>A on transcript NM_015404.4 (MANE Select); coding-DNA position 406, G replaced by A.
Protein change: p.Gly136Arg; replaces glycine 136 with arginine.
Molecular consequence: missense variant.
Genome position (GRCh38, 1-based): chr9:114,504,396, C>T on the plus strand (G>A on the coding strand, the complement: WHRN is on the minus strand). VCF-style: chr9-114504396-C-T. GRCh37 (hg19) VCF-style: chr9-117266676-C-T.
Other names: c.406G>A, p.Gly136Arg (NM_001173425.2); short protein forms G136R.
Identifiers: ClinVar variation 499161 (VCV000499161.10), dbSNP rs775689658, ClinGen allele CA5206289.

ClinVar aggregate classification (germline): Uncertain significance. Review status: criteria provided, multiple submitters, no conflicts (2 of 4 stars). 2 submissions from 2 submitters: Uncertain significance (2). Last evaluated 2022-10-13.

Allele frequency attached by ClinVar (database versions not stated): ExAC 0.00001.
gnomAD v4.1: 3 of 1,605,934 alleles (0.00019%); highest among the groups gnomAD compares: Admixed American, 0.005%; no homozygotes.

Submissions (2):

Labcorp Genetics (formerly Invitae), Labcorp
Classification: Uncertain significance. Last evaluated: 2022-10-13. Review status: criteria provided, single submitter. Criteria: Invitae Variant Classification Sherloc (09022015). Collection method: clinical testing. Allele origin: germline.
Comment: In summary, the available evidence is currently insufficient to determine the role of this variant in disease. Therefore, it has been classified as a Variant of Uncertain Significance. Algorithms developed to predict the effect of missense changes on protein structure and function are either unavailable or do not agree on the potential impact of this missense change (SIFT: "Deleterious"; PolyPhen-2: "Probably Damaging"; Align-GVGD: "Class C0"). ClinVar contains an entry for this variant (Variation ID: 499161). This variant has not been reported in the literature in individuals affected with WHRN-related conditions. This variant is present in population databases (rs775689658, gnomAD 0.006%). This sequence change replaces glycine, which is neutral and non-polar, with arginine, which is basic and polar, at codon 136 of the WHRN protein (p.Gly136Arg).

Eurofins Ntd Llc (ga)
Classification: Uncertain significance. Last evaluated: 2017-01-03. Review status: criteria provided, single submitter. Criteria: EGL Classification Definitions 2015. Collection method: clinical testing. Allele origin: germline. Observed: 1 variant allele, 1 heterozygote.